The following is an entry in ClinVar:

ClinVar aggregate classification (germline): Uncertain significance. Review status: criteria provided, multiple submitters, no conflicts (2 of 4 stars). 2 submissions from 2 submitters: Uncertain significance (2). Last evaluated 2022-09-05.

Conditions:
Peroxisome biogenesis disorder, complementation group 7 (CG7). Also called: Peroxisome biogenesis disorder, complementation group B. Identifiers: MedGen C1864399.

Allele frequency attached by ClinVar (database versions not stated): ExAC 0.00001; gnomAD 0.00001; gnomAD exomes 0.00002 and 0.00004; TOPMed 0.00002.
gnomAD v4.1: 63 of 1,611,290 alleles (0.0039%); highest among the groups gnomAD compares: Non-Finnish European, 0.005%; no homozygotes.

Submissions (2):

Blueprint Genetics
Classification: Uncertain significance. Last evaluated: 2022-09-05. Review status: criteria provided, single submitter. Criteria: ACMG Guidelines, 2015. Collection method: clinical testing. Allele origin: germline.

Labcorp Genetics (formerly Invitae), Labcorp
Classification: Uncertain significance for Peroxisome biogenesis disorder, complementation group 7. Last evaluated: 2022-03-11. Review status: criteria provided, single submitter. Criteria: Invitae Variant Classification Sherloc (09022015). Collection method: clinical testing. Allele origin: germline.
Comment: This sequence change replaces alanine, which is neutral and non-polar, with valine, which is neutral and non-polar, at codon 150 of the PEX10 protein (p.Ala150Val). This variant is present in population databases (rs776218721, gnomAD 0.004%). This variant has not been reported in the literature in individuals affected with PEX10-related conditions. Algorithms developed to predict the effect of missense changes on protein structure and function (SIFT, PolyPhen-2, Align-GVGD) all suggest that this variant is likely to be tolerated. In summary, the available evidence is currently insufficient to determine the role of this variant in disease. Therefore, it has been classified as a Variant of Uncertain Significance.

NM_002617.4(PEX10):c.449C>T (p.Ala150Val)

Gene: PEX10 (peroxisomal biogenesis factor 10; minus strand). Cytogenetic location: 1p36.32.
Variant type: single nucleotide variant.
Coding change: c.449C>T on transcript NM_002617.4 (MANE Select); coding-DNA position 449, C replaced by T.
Protein change: p.Ala150Val; replaces alanine 150 with valine.
Molecular consequence: missense variant. On other transcripts: non-coding transcript variant (1).
Genome position (GRCh38, 1-based): chr1:2,408,603, G>A on the plus strand (C>T on the coding strand, the complement: PEX10 is on the minus strand). VCF-style: chr1-2408603-G-A. GRCh37 (hg19) VCF-style: chr1-2340042-G-A.
Other names: c.449C>T, p.Ala150Val (NM_001374425.1, NM_153818.2); c.17C>T, p.Ala6Val (NM_001374426.1, NM_001374427.1); short protein forms A6V, A150V.
Identifiers: ClinVar variation 1421404 (VCV001421404.6), dbSNP rs776218721, ClinGen allele CA538167.
Genomic context (GRCh38, chr1:2,408,603, plus strand): 5'-CCCTGTCTGAGGACGAAGACCGCCCGCAGCAGCGCCCTCCTCTGCTGCTCAGTCAGGGTG[G>A]CCGTGTGGTGACGCATCCAGCGCCGCGCCCCTGAGCAGCCACGCCCACCTGGCCCCAGGC-3'
Protein context (NP_002608.1, residues 140-160): GARRWMRHHT[Ala150Val]TLTEQQRRAL